The following is an entry in ClinVar:

ClinVar aggregate classification (germline): Likely pathogenic. Review status: criteria provided, multiple submitters, no conflicts (2 of 4 stars). 3 submissions from 3 submitters: Likely pathogenic (2). 1 of the submissions does not count toward it. Last evaluated 2025-10-16.

Conditions:
STAR-related disorder. Also called: STAR-related condition.
Congenital lipoid adrenal hyperplasia due to STAR deficency. Also called: Congenital Lipoid Adrenal Hyperplasia; ADRENAL HYPERPLASIA I; Lipoid adrenal hyperplasia; Cholesterol monooxygenase (side-chain cleaving) deficiency. Identifiers: Orphanet 418, Orphanet 90790, MedGen C0342474, MONDO:0008725, OMIM 201710.

Allele frequency attached by ClinVar (database versions not stated): ExAC 0.00002; gnomAD 0.00003.
gnomAD v4.1: 19 of 1,613,914 alleles (0.0012%); highest among the groups gnomAD compares: African/African-American, 0.0027%; no homozygotes.

Submissions (3):

Labcorp Genetics (formerly Invitae), Labcorp
Classification: Likely pathogenic. Last evaluated: 2025-10-16. Review status: criteria provided, single submitter. Criteria: Invitae Variant Classification Sherloc (09022015). Collection method: clinical testing. Allele origin: germline.
Comment: This sequence change affects a donor splice site in intron 3 of the STAR gene. It is expected to disrupt RNA splicing. Variants that disrupt the donor or acceptor splice site typically lead to a loss of protein function (PMID: 16199547), and loss-of-function variants in STAR are known to be pathogenic (PMID: 8948562). This variant is present in population databases (rs755823086, gnomAD 0.02%). Disruption of this splice site has been observed in individual(s) with congenital lipoid adrenal hyperplasia (PMID: 15289763). ClinVar contains an entry for this variant (Variation ID: 1811118). Algorithms developed to predict the effect of sequence changes on RNA splicing suggest that this variant may disrupt the consensus splice site. In summary, the currently available evidence indicates that the variant is pathogenic, but additional data are needed to prove that conclusively. Therefore, this variant has been classified as Likely Pathogenic.

Women's Health and Genetics/Laboratory Corporation of America, LabCorp
Classification: Likely pathogenic for Congenital lipoid adrenal hyperplasia due to STAR deficency. Last evaluated: 2022-12-13. Review status: criteria provided, single submitter. Criteria: LabCorp Variant Classification Summary - May 2015. Collection method: clinical testing. Allele origin: germline.
Comment: Variant summary: STAR c.306+1G>A is located in a canonical splice-site and is predicted to affect mRNA splicing resulting in a significantly altered protein due to either exon skipping, shortening, or inclusion of intronic material. Several computational tools predict a significant impact on normal splicing: four predict the variant abolishes a 5' splicing donor site. However, these predictions have yet to be confirmed by functional studies. The variant allele was found at a frequency of 2e-05 in 251384 control chromosomes. This frequency does not allow conclusions about variant significance. c.306+1G>A has been reported in the literature in individuals affected with Congenital Lipoid Adrenal Hyperplasia (e.g. Gassner_2004). To our knowledge, no experimental evidence demonstrating an impact on protein function has been reported. No clinical diagnostic laboratories have submitted clinical-significance assessments for this variant to ClinVar after 2014. Based on the evidence outlined above, the variant was classified as likely pathogenic.

PreventionGenetics, part of Exact Sciences
Classification: Likely pathogenic for STAR-related condition. Last evaluated: 2024-04-16. Review status: no assertion criteria provided. Collection method: clinical testing. Allele origin: germline. Not counted in ClinVar's aggregate classification.
Comment: The STAR c.306+1G>A variant is predicted to disrupt the GT donor site and interfere with normal splicing. This variant has been reported in a compound heterozygous state in an individual with lipoid congenital adrenal hyperplasia (Gassner et al. 2004. PubMed ID: 15289763). This variant is reported in 0.020% of alleles in individuals of European (Finnish) descent in gnomAD. Variants that disrupt the consensus splice donor site in STAR are expected to be pathogenic. This variant is interpreted as likely pathogenic.

Literature cited by the submitters: PubMed 16199547 (cited by Labcorp Genetics (formerly Invitae), Labcorp); PubMed 8948562 (cited by Labcorp Genetics (formerly Invitae), Labcorp); PubMed 15289763 (cited by Labcorp Genetics (formerly Invitae), Labcorp and Women's Health and Genetics/Laboratory Corporation of America, LabCorp).

NM_000349.3(STAR):c.306+1G>A

Gene: STAR (steroidogenic acute regulatory protein; minus strand). Cytogenetic location: 8p11.23.
Variant type: single nucleotide variant.
Coding change: c.306+1G>A on transcript NM_000349.3 (MANE Select); the canonical splice donor site of the intron after coding-DNA position 306, G replaced by A.
Molecular consequence: splice donor variant.
Genome position (GRCh38, 1-based): chr8:38,148,199, C>T on the plus strand (G>A on the coding strand, the complement: STAR is on the minus strand). VCF-style: chr8-38148199-C-T. GRCh37 (hg19) VCF-style: chr8-38005717-C-T.
Identifiers: ClinVar variation 1811118 (VCV001811118.7), dbSNP rs755823086, ClinGen allele CA4715290.